The following is an entry in ClinVar:

ClinVar aggregate classification (germline): Likely benign (0 of 4 stars; one submission).

Conditions:
TMEM260-related disorder. Also called: TMEM260-related condition.

Allele frequency attached by ClinVar (database versions not stated): gnomAD exomes 0.00004; gnomAD 0.00009; TOPMed 0.00010; ExAC 0.00014.
gnomAD v4.1: 75 of 1,614,062 alleles (0.0046%); highest among the groups gnomAD compares: East Asian, 0.11%; 1 homozygote.

Submission:

PreventionGenetics, part of Exact Sciences
Classification: Likely benign for TMEM260-related condition. Last evaluated: 2023-04-20. Review status: no assertion criteria provided. Collection method: clinical testing. Allele origin: germline.
Comment: This variant is classified as likely benign based on ACMG/AMP sequence variant interpretation guidelines (Richards et al. 2015 PMID: 25741868, with internal and published modifications).

NM_017799.4(TMEM260):c.2036C>T (p.Pro679Leu)

Gene: TMEM260 (transmembrane protein 260; plus strand). Cytogenetic location: 14q22.3.
Variant type: single nucleotide variant.
Coding change: c.2036C>T on transcript NM_017799.4 (MANE Select); coding-DNA position 2036, C replaced by T.
Protein change: p.Pro679Leu; replaces proline 679 with leucine.
Molecular consequence: missense variant.
Genome position (GRCh38, 1-based): chr14:56,647,409, C>T. VCF-style: chr14-56647409-C-T. GRCh37 (hg19) VCF-style: chr14-57114127-C-T.
Other names: short protein forms P679L.
Identifiers: ClinVar variation 3036221 (VCV003036221.2), dbSNP rs769529332, ClinGen allele CA7200345.
Genomic context (GRCh38, chr14:56,647,409, plus strand): 5'-ATCCTGAAGTGCTGTTATCGGAAACCATCAGACATTTCCGTCTGTACTCTCAGAAAGCAC[C>T]GAATGACCCACAGCAAGCTGATATTTTAGGTGCTCTAAAGCACCTAAGAAAAGAACTGCA-3'
Protein context (NP_060269.3, residues 669-689): RHFRLYSQKA[Pro679Leu]NDPQQADILG